The following is an entry in ClinVar:

NM_002844.4(PTPRK):c.485A>G (p.Asn162Ser)

Gene: PTPRK (protein tyrosine phosphatase receptor type K; minus strand). Cytogenetic location: 6q22.33.
Variant type: single nucleotide variant.
Coding change: c.485A>G on transcript NM_002844.4 (MANE Select); coding-DNA position 485, A replaced by G.
Protein change: p.Asn162Ser; replaces asparagine 162 with serine.
Molecular consequence: missense variant. On other transcripts: intron variant (1).
Genome position (GRCh38, 1-based): chr6:128,322,049, T>C on the plus strand (A>G on the coding strand, the complement: PTPRK is on the minus strand). VCF-style: chr6-128322049-T-C. GRCh37 (hg19) VCF-style: chr6-128643194-T-C.
Other names: NC_000006.11:g.128643194T>C; c.485A>G, p.Asn162Ser (NM_001135648.3, NM_001291981.2, NM_001291982.2 and 1 more transcripts); c.108+75517A>G (NM_001291983.2); short protein forms N162S.
Identifiers: ClinVar variation 791450 (VCV000791450.28), dbSNP rs61757812, ClinGen allele CA3991961.

ClinVar aggregate classification (germline): Benign/Likely benign. Review status: criteria provided, multiple submitters, no conflicts (2 of 4 stars). 2 submissions from 2 submitters: Benign (1); Likely benign (1). Last evaluated 2023-04-01.

Allele frequency attached by ClinVar (database versions not stated): 1000 Genomes Project 30x 0.00109; 1000 Genomes Project 0.00140; TOPMed 0.00405; ESP Exome Variant Server 0.00523; ExAC 0.00528; gnomAD 0.00548 and 0.00562; gnomAD exomes 0.00587 and 0.00635.
gnomAD v4.1: 10,097 of 1,613,908 alleles (0.63%); highest among the groups gnomAD compares: Non-Finnish European, 0.67%; 48 homozygotes.

Submissions 1 to 32 of 43:

CeGaT Center for Human Genetics Tuebingen
Classification: Likely benign. Last evaluated: 2023-04-01. Review status: criteria provided, single submitter. Criteria: CeGaT Center For Human Genetics Tuebingen Variant Classification Criteria Version 2. Collection method: clinical testing. Allele origin: germline. Affected: yes. Observed: 1 variant allele.
Comment: PTPRK: PP2, BS2

Labcorp Genetics (formerly Invitae), Labcorp
Classification: Benign. Last evaluated: 2018-03-28. Review status: criteria provided, single submitter. Criteria: Invitae Variant Classification Sherloc (09022015). Collection method: clinical testing. Allele origin: germline.

Dr. Peter K. Rogan Lab, Western University
No classification provided (evidence only). Condition: Malignant tumor of urinary bladder. Review status: no classification provided. Collection method: in vitro. Allele origin: not applicable. Functional consequence: retained intron. Not counted in ClinVar's aggregate classification.

Dr. Peter K. Rogan Lab, Western University
No classification provided (evidence only). Condition: Clear cell carcinoma of kidney. Review status: no classification provided. Collection method: in vitro. Allele origin: not applicable. Functional consequence: retained intron. Not counted in ClinVar's aggregate classification.

Dr. Peter K. Rogan Lab, Western University
No classification provided (evidence only). Condition: Clear cell carcinoma of kidney. Review status: no classification provided. Collection method: in vitro. Allele origin: not applicable. Functional consequence: skipped exon, retained intron. Not counted in ClinVar's aggregate classification.

Dr. Peter K. Rogan Lab, Western University
No classification provided (evidence only). Condition: Clear cell carcinoma of kidney. Review status: no classification provided. Collection method: in vitro. Allele origin: not applicable. Functional consequence: retained intron. Not counted in ClinVar's aggregate classification.

Dr. Peter K. Rogan Lab, Western University
No classification provided (evidence only). Condition: Clear cell carcinoma of kidney. Review status: no classification provided. Collection method: in vitro. Allele origin: not applicable. Functional consequence: retained intron. Not counted in ClinVar's aggregate classification.

Dr. Peter K. Rogan Lab, Western University
No classification provided (evidence only). Condition: Clear cell carcinoma of kidney. Review status: no classification provided. Collection method: in vitro. Allele origin: not applicable. Functional consequence: skipped exon, retained intron. Not counted in ClinVar's aggregate classification.

Dr. Peter K. Rogan Lab, Western University
No classification provided (evidence only). Condition: Lung cancer. Review status: no classification provided. Collection method: in vitro. Allele origin: not applicable. Functional consequence: retained intron. Not counted in ClinVar's aggregate classification.

Dr. Peter K. Rogan Lab, Western University
No classification provided (evidence only). Condition: Lung cancer. Review status: no classification provided. Collection method: in vitro. Allele origin: not applicable. Functional consequence: retained intron. Not counted in ClinVar's aggregate classification.

Dr. Peter K. Rogan Lab, Western University
No classification provided (evidence only). Condition: Melanoma. Review status: no classification provided. Collection method: in vitro. Allele origin: not applicable. Functional consequence: retained intron. Not counted in ClinVar's aggregate classification.

Dr. Peter K. Rogan Lab, Western University
No classification provided (evidence only). Condition: Melanoma. Review status: no classification provided. Collection method: in vitro. Allele origin: not applicable. Functional consequence: retained intron. Not counted in ClinVar's aggregate classification.

Dr. Peter K. Rogan Lab, Western University
No classification provided (evidence only). Condition: Melanoma. Review status: no classification provided. Collection method: in vitro. Allele origin: not applicable. Functional consequence: retained intron. Not counted in ClinVar's aggregate classification.

Dr. Peter K. Rogan Lab, Western University
No classification provided (evidence only). Condition: Melanoma. Review status: no classification provided. Collection method: in vitro. Allele origin: not applicable. Functional consequence: skipped exon, retained intron. Not counted in ClinVar's aggregate classification.

Dr. Peter K. Rogan Lab, Western University
No classification provided (evidence only). Condition: Melanoma. Review status: no classification provided. Collection method: in vitro. Allele origin: not applicable. Functional consequence: retained intron. Not counted in ClinVar's aggregate classification.

Dr. Peter K. Rogan Lab, Western University
No classification provided (evidence only). Condition: Melanoma. Review status: no classification provided. Collection method: in vitro. Allele origin: not applicable. Functional consequence: retained intron. Not counted in ClinVar's aggregate classification.

Dr. Peter K. Rogan Lab, Western University
No classification provided (evidence only). Condition: Melanoma. Review status: no classification provided. Collection method: in vitro. Allele origin: not applicable. Functional consequence: retained intron. Not counted in ClinVar's aggregate classification.

Dr. Peter K. Rogan Lab, Western University
No classification provided (evidence only). Condition: Familial cancer of breast. Review status: no classification provided. Collection method: in vitro. Allele origin: not applicable. Functional consequence: retained intron. Not counted in ClinVar's aggregate classification.

Dr. Peter K. Rogan Lab, Western University
No classification provided (evidence only). Condition: Colon adenocarcinoma. Review status: no classification provided. Collection method: in vitro. Allele origin: not applicable. Functional consequence: retained intron. Not counted in ClinVar's aggregate classification.

Dr. Peter K. Rogan Lab, Western University
No classification provided (evidence only). Condition: Colon adenocarcinoma. Review status: no classification provided. Collection method: in vitro. Allele origin: not applicable. Functional consequence: retained intron. Not counted in ClinVar's aggregate classification.

Dr. Peter K. Rogan Lab, Western University
No classification provided (evidence only). Condition: Colorectal cancer. Review status: no classification provided. Collection method: in vitro. Allele origin: not applicable. Functional consequence: retained intron. Not counted in ClinVar's aggregate classification.

Dr. Peter K. Rogan Lab, Western University
No classification provided (evidence only). Condition: Colorectal cancer. Review status: no classification provided. Collection method: in vitro. Allele origin: not applicable. Functional consequence: retained intron. Not counted in ClinVar's aggregate classification.

Dr. Peter K. Rogan Lab, Western University
No classification provided (evidence only). Condition: Thyroid cancer, nonmedullary, 1. Review status: no classification provided. Collection method: in vitro. Allele origin: not applicable. Functional consequence: retained intron. Not counted in ClinVar's aggregate classification.

Dr. Peter K. Rogan Lab, Western University
No classification provided (evidence only). Condition: Thyroid cancer, nonmedullary, 1. Review status: no classification provided. Collection method: in vitro. Allele origin: not applicable. Functional consequence: retained intron. Not counted in ClinVar's aggregate classification.

Dr. Peter K. Rogan Lab, Western University
No classification provided (evidence only). Condition: Thyroid cancer, nonmedullary, 1. Review status: no classification provided. Collection method: in vitro. Allele origin: not applicable. Functional consequence: retained intron. Not counted in ClinVar's aggregate classification.

Dr. Peter K. Rogan Lab, Western University
No classification provided (evidence only). Condition: Thyroid cancer, nonmedullary, 1. Review status: no classification provided. Collection method: in vitro. Allele origin: not applicable. Functional consequence: retained intron. Not counted in ClinVar's aggregate classification.

Dr. Peter K. Rogan Lab, Western University
No classification provided (evidence only). Condition: Uterine corpus endometrial carcinoma. Review status: no classification provided. Collection method: in vitro. Allele origin: not applicable. Functional consequence: retained intron. Not counted in ClinVar's aggregate classification.

Dr. Peter K. Rogan Lab, Western University
No classification provided (evidence only). Condition: Uterine corpus endometrial carcinoma. Review status: no classification provided. Collection method: in vitro. Allele origin: not applicable. Functional consequence: retained intron. Not counted in ClinVar's aggregate classification.

Dr. Peter K. Rogan Lab, Western University
No classification provided (evidence only). Condition: Uterine corpus endometrial carcinoma. Review status: no classification provided. Collection method: in vitro. Allele origin: not applicable. Functional consequence: retained intron. Not counted in ClinVar's aggregate classification.

Dr. Peter K. Rogan Lab, Western University
No classification provided (evidence only). Condition: Sarcoma. Review status: no classification provided. Collection method: in vitro. Allele origin: not applicable. Functional consequence: retained intron. Not counted in ClinVar's aggregate classification.

Dr. Peter K. Rogan Lab, Western University
No classification provided (evidence only). Condition: Sarcoma. Review status: no classification provided. Collection method: in vitro. Allele origin: not applicable. Functional consequence: retained intron. Not counted in ClinVar's aggregate classification.

Dr. Peter K. Rogan Lab, Western University
No classification provided (evidence only). Condition: Sarcoma. Review status: no classification provided. Collection method: in vitro. Allele origin: not applicable. Functional consequence: retained intron. Not counted in ClinVar's aggregate classification.